The following is an entry in ClinVar:

ClinVar aggregate classification (germline): Uncertain significance (1 of 4 stars; one submission).

Conditions:
Autosomal recessive ataxia, Beauce type. Also called: SYNE1-Related Autosomal Recessive Cerebellar Ataxia; Spinocerebellar ataxia, autosomal recessive 8; ATAXIA, RECESSIVE, OF BEAUCE; SYNE1 Deficiency. Identifiers: Orphanet 88644, MedGen C1853116, MONDO:0012549, OMIM 610743.
Emery-Dreifuss muscular dystrophy 4, autosomal dominant (EDMD4). Also called: EMERY-DREIFUSS MUSCULAR DYSTROPHY 4 WITH VARIABLE FEATURES. Identifiers: Orphanet 261, MedGen C2751807, MONDO:0013071, OMIM 612998.

Submission:

Labcorp Genetics (formerly Invitae), Labcorp
Classification: Uncertain significance for Emery-Dreifuss muscular dystrophy 4, autosomal dominant; Autosomal recessive ataxia, Beauce type. Last evaluated: 2022-04-12. Review status: criteria provided, single submitter. Criteria: Invitae Variant Classification Sherloc (09022015). Collection method: clinical testing. Allele origin: germline.
Comment: This sequence change replaces lysine, which is basic and polar, with asparagine, which is neutral and polar, at codon 3613 of the SYNE1 protein (p.Lys3613Asn). In summary, the available evidence is currently insufficient to determine the role of this variant in disease. Therefore, it has been classified as a Variant of Uncertain Significance. Algorithms developed to predict the effect of missense changes on protein structure and function (SIFT, PolyPhen-2, Align-GVGD) all suggest that this variant is likely to be disruptive. This variant has not been reported in the literature in individuals affected with SYNE1-related conditions. This variant is not present in population databases (gnomAD no frequency).

NM_182961.4(SYNE1):c.10818G>C (p.Lys3606Asn)

Gene: SYNE1 (spectrin repeat containing nuclear envelope protein 1; minus strand). Cytogenetic location: 6q25.2.
Variant type: single nucleotide variant.
Coding change: c.10818G>C on transcript NM_182961.4 (MANE Select); coding-DNA position 10818, G replaced by C.
Protein change: p.Lys3606Asn; replaces lysine 3606 with asparagine.
Molecular consequence: missense variant.
Genome position (GRCh38, 1-based): chr6:152,354,767, C>G on the plus strand (G>C on the coding strand, the complement: SYNE1 is on the minus strand). VCF-style: chr6-152354767-C-G. GRCh37 (hg19) VCF-style: chr6-152675902-C-G.
Other names: c.10839G>C, p.Lys3613Asn (NM_033071.5); short protein forms K3613N, K3606N.
Identifiers: ClinVar variation 2159110 (VCV002159110.4), dbSNP rs752187409, ClinGen allele CA366125208.